The following is an entry in ClinVar:

NM_004484.4(GPC3):c.341C>A (p.Ala114Asp)

Gene: GPC3 (glypican 3; minus strand). Cytogenetic location: Xq26.2.
Variant type: single nucleotide variant.
Coding change: c.341C>A on transcript NM_004484.4 (MANE Select); coding-DNA position 341, C replaced by A.
Protein change: p.Ala114Asp; replaces alanine 114 with aspartic acid.
Molecular consequence: missense variant.
Genome position (GRCh38, 1-based): chrX:133,754,173, G>T on the plus strand (C>A on the coding strand, the complement: GPC3 is on the minus strand). VCF-style: chrX-133754173-G-T. GRCh37 (hg19) VCF-style: chrX-132888200-G-T.
Other names: c.341C>A, p.Ala114Asp (NM_001164617.2); c.293C>A, p.Ala98Asp (NM_001164618.2); c.179C>A, p.Ala60Asp (NM_001164619.2); short protein forms A114D, A60D, A98D.
Identifiers: ClinVar variation 1027051 (VCV001027051.9), dbSNP rs2071703691, ClinGen allele CA414706851.
Genomic context (GRCh38, chrX:133,754,173, plus strand): 5'-TAGTTGTTCTTGAACATGGCATTGGTGTAGTTCTTGGCATGGCGAACAACAATTTCAAAG[G>T]CCTCTGTAAAAAAAAAAAAAAAAGAGACACAAAAATGTGTACAAATTAAAGCATGAAAAT-3'
Protein context (NP_004475.1, residues 104-124): IIQNAAVFQE[Ala114Asp]FEIVVRHAKN

ClinVar aggregate classification (germline): Uncertain significance (1 of 4 stars; one submission).

Conditions:
Wilms tumor 1 (WT1). Also called: Wilms tumor, somatic. Identifiers: Orphanet 654, MedGen CN033288, MONDO:0008679, OMIM 194070.

Allele frequency attached by ClinVar (database versions not stated): TOPMed below 0.00001.
gnomAD v4.1: 1 of 1,124,951 alleles (0.000089%); no homozygotes.

Submission:

Labcorp Genetics (formerly Invitae), Labcorp
Classification: Uncertain significance for Wilms tumor 1. Last evaluated: 2024-04-29. Review status: criteria provided, single submitter. Criteria: Invitae Variant Classification Sherloc (09022015). Collection method: clinical testing. Allele origin: germline.
Comment: This sequence change replaces alanine, which is neutral and non-polar, with aspartic acid, which is acidic and polar, at codon 114 of the GPC3 protein (p.Ala114Asp). This variant is not present in population databases (gnomAD no frequency). This variant has not been reported in the literature in individuals affected with GPC3-related conditions. ClinVar contains an entry for this variant (Variation ID: 1027051). Advanced modeling of protein sequence and biophysical properties (such as structural, functional, and spatial information, amino acid conservation, physicochemical variation, residue mobility, and thermodynamic stability) performed at Invitae indicates that this missense variant is expected to disrupt GPC3 protein function with a positive predictive value of 80%. In summary, the available evidence is currently insufficient to determine the role of this variant in disease. Therefore, it has been classified as a Variant of Uncertain Significance.